The following is an entry in ClinVar:

ClinVar aggregate classification (germline): Conflicting classifications of pathogenicity. Review status: criteria provided, conflicting classifications (1 of 4 stars). 5 submissions from 5 submitters: Pathogenic (2); Likely pathogenic (1); Uncertain significance (1). 1 of the submissions does not count toward it. Last evaluated 2025-09-06.

Conditions:
Cardiovascular phenotype. Identifiers: MedGen CN230736.
Familial long QT syndrome (RWS). Also called: Congenital long QT syndrome; Romano-Ward syndrome; VENTRICULAR FIBRILLATION WITH PROLONGED QT INTERVAL. Identifiers: Orphanet 768, MedGen C1141890, MONDO:0019171.
Long QT syndrome (LQTS). Identifiers: MedGen C0023976, MeSH D008133, MONDO:0002442. Disease mechanism: loss of function. Inheritance: Various modes of inheritance.
Long QT syndrome 2 (LQT2). Identifiers: Orphanet 101016, Orphanet 768, MedGen C3150943, MONDO:0013367, OMIM 613688.

Allele frequency attached by ClinVar (database versions not stated): gnomAD exomes below 0.00001.
gnomAD v4.1: 2 of 1,610,744 alleles (0.00012%); highest among the groups gnomAD compares: Non-Finnish European, 0.00017%; no homozygotes.

Submissions (5):

Clinical Genomics Laboratory, Washington University in St. Louis
Classification: Pathogenic for Long QT syndrome 2. Last evaluated: 2025-09-06. Review status: criteria provided, single submitter. Criteria: ACMG Guidelines, 2015. Collection method: clinical testing. Allele origin: germline. Affected: yes.
Comment: A KCNH2 c.164C>T (p.Ser55Leu) variant was identified in a heterozygous state. This variant has been reported in five individuals affected with Long QT syndrome (Behr E et al., PMID: 18508782; Tester D et al., PMID: 15840476). It is only observed in 2/1,610,744 alleles in the general population (gnomAD v4.1.0), indicating it is not a common variant. This variant has been reported as a germline likely pathogenic/pathogenic variant in the ClinVar database by two submitters and a variant of uncertain significance by one submitter (ClinVar ID: 67224). The KCNH2 c.164C>T (p.Ser55Leu) variant resides within a region of KCNH2, the PAS domain, which is a critical functional domain. Computational predictors indicate that the variant is damaging, evidence that correlates with impact to KCNH2 function. In support of this prediction, functional studies show a PAS-domain trafficking defect that impairs Kv11.1 channel function (Anderson C et al., PMID: 25417810; Kroncke B et al., PMID: 29330128). Based on available information and the ACMG/AMP guidelines for variant interpretation (Richards S et al., PMID: 25741868), this variant is classified as pathogenic.

GeneDx
Classification: Pathogenic. Last evaluated: 2024-04-11. Review status: criteria provided, single submitter. Criteria: GeneDx Variant Classification Process June 2021. Collection method: clinical testing. Allele origin: germline. Affected: yes.
Comment: In silico analysis supports that this missense variant has a deleterious effect on protein structure/function; Published functional studies demonstrate a damaging effect, consistent with near complete loss-of-function (PMID: 25417810, 29330128); Not observed at significant frequency in large population cohorts (gnomAD); This variant is associated with the following publications: (PMID: 15840476, 18508782, 29330128, 37324772, 25417810, 22396785, 35688148, 37187232, 32475984, 36861347)

Labcorp Genetics (formerly Invitae), Labcorp
Classification: Uncertain significance for Long QT syndrome. Last evaluated: 2022-03-25. Review status: criteria provided, single submitter. Criteria: Invitae Variant Classification Sherloc (09022015). Collection method: clinical testing. Allele origin: germline.
Comment: In summary, the available evidence is currently insufficient to determine the role of this variant in disease. Therefore, it has been classified as a Variant of Uncertain Significance. Experimental studies have shown that this missense change affects KCNH2 function (PMID: 25417810, 29330128). Algorithms developed to predict the effect of missense changes on protein structure and function are either unavailable or do not agree on the potential impact of this missense change (SIFT: "Tolerated"; PolyPhen-2: "Possibly Damaging"; Align-GVGD: "Class C0"). ClinVar contains an entry for this variant (Variation ID: 67224). This missense change has been observed in individual(s) with KCNH2-related conditions (PMID: 18508782, 29330128). This variant is not present in population databases (gnomAD no frequency). This sequence change replaces serine, which is neutral and polar, with leucine, which is neutral and non-polar, at codon 55 of the KCNH2 protein (p.Ser55Leu).

Ambry Genetics
Classification: Likely pathogenic for Cardiovascular phenotype. Last evaluated: 2021-02-09. Review status: criteria provided, single submitter. Criteria: Ambry Variant Classification Scheme 2023. Collection method: clinical testing. Allele origin: germline.
Comment: The p.S55L variant (also known as c.164C>T), located in coding exon 2 of the KCNH2 gene, results from a C to T substitution at nucleotide position 164. The serine at codon 55 is replaced by leucine, an amino acid with dissimilar properties, and is located in the PAS domain. This variant co-occurred with a KCNQ1 variant in a proband with long QT syndrome (LQTS). Two of the proband's children who carried p.S55L alone were also affected with LQTS (Kroncke BM et al. Heart Rhythm, 2018 06;15:890-894). This variant was also identified in individuals from another family with LQTS and in a LQTS genetic testing cohort (Behr ER et al. Eur Heart J, 2008 Jul;29:1670-80l Tester DJ et al. Heart Rhythm, 2005 May;2:507-17). This variant has been reported to result in deficient protein trafficking and abnormal ion channel function in in vitro assays (Anderson CL et al. Nat Commun, 2014 Nov;5:5535; Kroncke BM et al. Heart Rhythm, 2018 06;15:890-894). Based on internal structural analysis, this variant is predicted to be disruptive to the PAS domain (Haitin Y et al. Nature. 2013 Sep;501(7467):444-8; Wang W et al. Cell. 2017 04;169(3):422-430.e10). This amino acid position is well conserved in available vertebrate species. In addition, this alteration is predicted to be deleterious by in silico analysis. Based on the majority of available evidence to date, this variant is likely to be pathogenic.

Cardiovascular Biomedical Research Unit, Royal Brompton & Harefield NHS Foundation Trust
No classification provided. Condition: Familial long QT syndrome. Review status: no classification provided. Collection method: literature only. Allele origin: germline. Not counted in ClinVar's aggregate classification.
Comment: This variant has been reported as associated with Long QT syndrome in the following publications (PMID:15840476;PMID:18508782). This is a literature report, and does not necessarily reflect the clinical interpretation of the Imperial College / Royal Brompton Cardiovascular Genetics laboratory.

Literature cited by the submitters: PubMed 25417810 (cited by Labcorp Genetics (formerly Invitae), Labcorp and Ambry Genetics); PubMed 29330128 (cited by Labcorp Genetics (formerly Invitae), Labcorp and Ambry Genetics); PubMed 18508782 (cited by 3 submitters); PubMed 15840476 (cited by Ambry Genetics and Cardiovascular Biomedical Research Unit, Royal Brompton & Harefield NHS Foundation Trust); PubMed 23975098 (cited by Ambry Genetics); PubMed 22581653 (cited by Cardiovascular Biomedical Research Unit, Royal Brompton & Harefield NHS Foundation Trust).

NM_000238.4(KCNH2):c.164C>T (p.Ser55Leu)

Gene: KCNH2 (potassium voltage-gated channel subfamily H member 2; minus strand). Cytogenetic location: 7q36.1.
Variant type: single nucleotide variant.
Coding change: c.164C>T on transcript NM_000238.4 (MANE Select); coding-DNA position 164, C replaced by T.
Protein change: p.Ser55Leu; replaces serine 55 with leucine.
Molecular consequence: missense variant.
Genome position (GRCh38, 1-based): chr7:150,974,854, G>A on the plus strand (C>T on the coding strand, the complement: KCNH2 is on the minus strand). VCF-style: chr7-150974854-G-A. GRCh37 (hg19) VCF-style: chr7-150671942-G-A.
Other names: p.S55L:TCG>TTG; c.164C>T (LRG_288t1); c.-14C>T (NM_001406755.1); c.164C>T, p.Ser55Leu (NM_172056.3); short protein forms S55L.
Identifiers: ClinVar variation 67224 (VCV000067224.13), dbSNP rs199472844, ClinGen allele CA004951.